The following is an entry in ClinVar:

ClinVar aggregate classification (germline): Likely benign (0 of 4 stars; one submission).

Conditions:
NTRK2-related disorder. Also called: NTRK2-related condition.

gnomAD v4.1: 14 of 1,613,656 alleles (0.00087%); highest among the groups gnomAD compares: South Asian, 0.0022%; no homozygotes.

Submission:

PreventionGenetics, part of Exact Sciences
Classification: Likely benign for NTRK2-related condition. Last evaluated: 2024-05-27. Review status: no assertion criteria provided. Collection method: clinical testing. Allele origin: germline.
Comment: This variant is classified as likely benign based on ACMG/AMP sequence variant interpretation guidelines (Richards et al. 2015 PMID: 25741868, with internal and published modifications).

NM_006180.6(NTRK2):c.1221C>T (p.Ile407=)

Gene: NTRK2 (neurotrophic receptor tyrosine kinase 2; plus strand). Cytogenetic location: 9q21.33.
Variant type: single nucleotide variant.
Coding change: c.1221C>T on transcript NM_006180.6 (MANE Select); coding-DNA position 1221, C replaced by T.
Protein change: p.Ile407=; no amino-acid change (isoleucine 407 retained).
Molecular consequence: synonymous variant.
Genome position (GRCh38, 1-based): chr9:84,744,998, C>T. VCF-style: chr9-84744998-C-T. GRCh37 (hg19) VCF-style: chr9-87359913-C-T.
Other names: c.1221C>T, p.Ile407= (NM_001007097.3, NM_001018064.3, NM_001018065.2 and 15 more transcripts); c.1182C>T, p.Ile394= (NM_001291937.2, NM_001369546.1); c.1185C>T, p.Ile395= (NM_001369534.1); c.753C>T, p.Ile251= (NM_001369535.1, NM_001369536.1, NM_001369550.1 and 2 more transcripts).
Identifiers: ClinVar variation 3349552 (VCV003349552.1).
Genomic context (GRCh38, chr9:84,744,998, plus strand): 5'-CATGTTCTTCCTCATTCCCCCTTTGCCCACTTAAGATTATGGAACTGCAGCGAATGACAT[C>T]GGGGACACCACGAACAGAAGTAATGAAATCCCTTCCACAGACGTCACTGATAAAACCGGT-3'
Protein context (NP_006171.2, residues 397-417): YEDYGTAAND[Ile407=]GDTTNRSNEI